The following is an entry in ClinVar:

NC_000017.10:g.(?_18054799)_(18058245_?)del

Gene: MYO15A (myosin XVA; plus strand). Cytogenetic location: 17p11.2.
Variant type: Deletion.
Identifiers: ClinVar variation 3243195 (VCV003243195.1).

ClinVar aggregate classification (germline): Pathogenic (1 of 4 stars; one submission).

Submission:

Labcorp Genetics (formerly Invitae), Labcorp
Classification: Pathogenic. Last evaluated: 2023-12-26. Review status: criteria provided, single submitter. Criteria: Invitae Variant Classification Sherloc (09022015). Collection method: clinical testing. Allele origin: unknown.
Comment: This variant results in the deletion of exons 41-45 and part of exon 40 (c.7745_8224+176delinsCTCCCCGGAACGGCTGCTGGTAC) of the MYO15A gene. It is expected to disrupt RNA splicing. Variants that disrupt the donor or acceptor splice site typically lead to a loss of protein function (PMID: 16199547), and loss-of-function variants in MYO15A are known to be pathogenic (PMID: 17546645). This variant has not been reported in the literature in individuals affected with MYO15A-related conditions. This variant disrupts a region of the MYO15A protein in which other variant(s) (p.Val2697) have been determined to be pathogenic (PMID: 23208854, 30622556, 32860223, 33398081). This suggests that this is a clinically significant region of the protein, and that variants that disrupt it are likely to be disease-causing. For these reasons, this variant has been classified as Pathogenic.

Literature cited by the submitters: PubMed 16199547; PubMed 17546645; PubMed 23208854; PubMed 30622556; PubMed 32860223; PubMed 33398081.